The following is an entry in ClinVar:

NM_002972.4(SBF1):c.1678G>A (p.Ala560Thr)

Gene: SBF1 (SET binding factor 1; minus strand). Cytogenetic location: 22q13.33.
Variant type: single nucleotide variant.
Coding change: c.1678G>A on transcript NM_002972.4 (MANE Select); coding-DNA position 1678, G replaced by A.
Protein change: p.Ala560Thr; replaces alanine 560 with threonine.
Molecular consequence: missense variant.
Genome position (GRCh38, 1-based): chr22:50,464,400, C>T on the plus strand (G>A on the coding strand, the complement: SBF1 is on the minus strand). VCF-style: chr22-50464400-C-T. GRCh37 (hg19) VCF-style: chr22-50902829-C-T.
Other names: c.1681G>A, p.Ala561Thr (NM_001365819.1, NM_001410794.1); c.1678G>A, p.Ala560Thr (NM_001410795.1, NM_197971.1); short protein forms A560T, A561T.
Identifiers: ClinVar variation 1948966 (VCV001948966.3), dbSNP rs1287770905, ClinGen allele CA412217272.
Genomic context (GRCh38, chr22:50,464,400, plus strand): 5'-CAAGCATTTTCCCCTCAAACACGTAGGAGATGCAGTTGCGCACAACCTCCAGCCGCCGGG[C>T]GCTGTTGACATGCAGCCCACTGCACCGCTCCAGTATGGCAGCTGCGGGGACAGAATACAC-3'
Protein context (NP_002963.2, residues 550-570): ERCSGLHVNS[Ala560Thr]RRLEVVRNCI

ClinVar aggregate classification (germline): Uncertain significance (1 of 4 stars; one submission).

Allele frequency attached by ClinVar (database versions not stated): TOPMed 0.00001; gnomAD 0.00002; gnomAD exomes 0.00002.
gnomAD v4.1: 37 of 1,613,996 alleles (0.0023%); highest among the groups gnomAD compares: African/African-American, 0.004%; no homozygotes.

Submission:

Labcorp Genetics (formerly Invitae), Labcorp
Classification: Uncertain significance. Last evaluated: 2022-07-08. Review status: criteria provided, single submitter. Criteria: Invitae Variant Classification Sherloc (09022015). Collection method: clinical testing. Allele origin: germline.
Comment: In summary, the available evidence is currently insufficient to determine the role of this variant in disease. Therefore, it has been classified as a Variant of Uncertain Significance. Algorithms developed to predict the effect of missense changes on protein structure and function are either unavailable or do not agree on the potential impact of this missense change (SIFT: "Deleterious"; PolyPhen-2: "Possibly Damaging"; Align-GVGD: "Class C0"). This variant has not been reported in the literature in individuals affected with SBF1-related conditions. This variant is present in population databases (no rsID available, gnomAD 0.01%). This sequence change replaces alanine, which is neutral and non-polar, with threonine, which is neutral and polar, at codon 560 of the SBF1 protein (p.Ala560Thr).